The following is an entry in ClinVar:

ClinVar aggregate classification (germline): Uncertain significance (1 of 4 stars; one submission).

gnomAD v4.1: 5 of 1,612,728 alleles (0.00031%); highest among the groups gnomAD compares: Non-Finnish European, 0.00042%; no homozygotes.

Submission:

Ambry Genetics
Classification: Uncertain significance. Last evaluated: 2025-11-11. Review status: criteria provided, single submitter. Criteria: Ambry Variant Classification Scheme 2023. Collection method: clinical testing. Allele origin: germline.
Comment: The p.L280F variant (also known as c.840G>C), located in coding exon 7 of the RAD51B gene, results from a G to C substitution at nucleotide position 840. The leucine at codon 280 is replaced by phenylalanine, an amino acid with highly similar properties. This amino acid position is conserved. In addition, this alteration is predicted to be tolerated by in silico analysis. Based on the available evidence, the clinical significance of this variant remains unclear.

NM_133510.4(RAD51B):c.840G>C (p.Leu280Phe)

Gene: RAD51B (RAD51 paralog B; plus strand). Cytogenetic location: 14q24.1.
Variant type: single nucleotide variant.
Coding change: c.840G>C on transcript NM_133510.4 (MANE Select); coding-DNA position 840, G replaced by C.
Protein change: p.Leu280Phe; replaces leucine 280 with phenylalanine.
Molecular consequence: missense variant.
Genome position (GRCh38, 1-based): chr14:68,291,967, G>C. VCF-style: chr14-68291967-G-C. GRCh37 (hg19) VCF-style: chr14-68758684-G-C.
Other names: c.840G>C, p.Leu280Phe (NM_001321809.2, NM_001321810.2, NM_001321812.1 and 6 more transcripts); c.726G>C, p.Leu242Phe (NM_001321815.1); c.483G>C, p.Leu161Phe (NM_001321817.2); short protein forms L242F, L280F, L161F.
Identifiers: ClinVar variation 4575314 (VCV004575314.1).